The following is an entry in ClinVar:

NM_182641.4(BPTF):c.5095A>G (p.Thr1699Ala)

Gene: BPTF (bromodomain PHD finger transcription factor; plus strand). Cytogenetic location: 17q24.2.
Variant type: single nucleotide variant.
Coding change: c.5095A>G on transcript NM_182641.4 (MANE Select); coding-DNA position 5095, A replaced by G.
Protein change: p.Thr1699Ala; replaces threonine 1699 with alanine.
Molecular consequence: missense variant.
Genome position (GRCh38, 1-based): chr17:67,912,979, A>G. VCF-style: chr17-67912979-A-G. GRCh37 (hg19) VCF-style: chr17-65909095-A-G.
Other names: c.5473A>G, p.Thr1825Ala (NM_004459.7); short protein forms T1699A, T1825A.
Identifiers: ClinVar variation 2121362 (VCV002121362.4), dbSNP rs2062749928, ClinGen allele CA400731697.

ClinVar aggregate classification (germline): Uncertain significance (1 of 4 stars; one submission).

Allele frequency attached by ClinVar (database versions not stated): gnomAD exomes below 0.00001.
gnomAD v4.1: 2 of 1,614,064 alleles (0.00012%); highest among the groups gnomAD compares: Admixed American, 0.0017%; no homozygotes.

Submission:

Labcorp Genetics (formerly Invitae), Labcorp
Classification: Uncertain significance. Last evaluated: 2026-01-23. Review status: criteria provided, single submitter. Criteria: Invitae Variant Classification Sherloc (09022015). Collection method: clinical testing. Allele origin: germline.
Comment: This sequence change replaces threonine, which is neutral and polar, with alanine, which is neutral and non-polar, at codon 1825 of the BPTF protein (p.Thr1825Ala). This variant is not present in population databases (gnomAD no frequency). This variant has not been reported in the literature in individuals affected with BPTF-related conditions. ClinVar contains an entry for this variant (Variation ID: 2121362). An algorithm developed to predict the effect of missense changes on protein structure and function outputs the following: PolyPhen-2: "Benign". The alanine amino acid residue is found in multiple mammalian species, which suggests that this missense change does not adversely affect protein function. In summary, the available evidence is currently insufficient to determine the role of this variant in disease. Therefore, it has been classified as a Variant of Uncertain Significance.